The following is an entry in ClinVar:

NM_000030.3(AGXT):c.680+130C>T

Gene: AGXT (alanine--glyoxylate aminotransferase; plus strand). Cytogenetic location: 2q37.3.
Variant type: single nucleotide variant.
Coding change: c.680+130C>T on transcript NM_000030.3 (MANE Select); 130 bases into the intron after coding-DNA position 680, C replaced by T.
Molecular consequence: intron variant.
Genome position (GRCh38, 1-based): chr2:240,874,192, C>T. VCF-style: chr2-240874192-C-T. GRCh37 (hg19) VCF-style: chr2-241813609-C-T.
Identifiers: ClinVar variation 204045 (VCV000204045.3), dbSNP rs78178548, ClinGen allele CA275583.

ClinVar aggregate classification (germline): Benign (1 of 4 stars; one submission).

Conditions:
Primary hyperoxaluria, type I (HP1). Also called: GLYCOLIC ACIDURIA; HEPATIC AGT DEFICIENCY; OXALOSIS I; Primary hyperoxaluria type 1. Identifiers: Orphanet 416, Orphanet 93598, MedGen C0268164, MONDO:0009823, OMIM 259900. Disease mechanism: loss of function.

Allele frequency attached by ClinVar (database versions not stated): gnomAD 0.00508 and 0.00690; TOPMed 0.00738; gnomAD exomes 0.00796; 1000 Genomes Project 30x 0.02920; 1000 Genomes Project 0.03015.
gnomAD v4.1: 7,129 of 916,090 alleles (0.78%); highest among the groups gnomAD compares: East Asian, 7.8%; 194 homozygotes.

Submission:

Clinical Biochemistry Laboratory, Health Services Laboratory
Classification: Benign for Primary hyperoxaluria, type I. Last evaluated: 2023-10-27. Review status: criteria provided, single submitter. Criteria: ACMG Guidelines, 2015. Collection method: clinical testing. Allele origin: germline. Affected: yes.
Comment: ACMG:BP2 BP5